The following is an entry in ClinVar:

ClinVar aggregate classification (germline): Uncertain significance (1 of 4 stars; one submission).

Conditions:
Oocyte maturation defect 6. Also called: OOCYTE/ZYGOTE/EMBRYO MATURATION ARREST 6. Identifiers: MedGen C5193047, MONDO:0032696, OMIM 618353.

gnomAD v4.1: 22 of 1,613,970 alleles (0.0014%); highest among the groups gnomAD compares: African/African-American, 0.0067%; no homozygotes.

Submission:

Juno Genomics, Hangzhou Juno Genomics, Inc
Classification: Uncertain significance for Oocyte maturation defect 6. Review status: criteria provided, single submitter. Criteria: ACMG Guidelines, 2015. Collection method: clinical testing. Allele origin: germline. Affected: yes.
Comment: Null variant in a gene where loss of function (LOF) is a known mechanism of disease.;Absent from controls (or at extremely low frequency if recessive) in Genome Aggregation Database, Exome Sequencing Project, 1000 Genomes Project, or Exome Aggregation Consortium.;For recessive disorders, detected in trans with a pathogenic variant.;Patient's phenotype or family history is highly specific for a disease with a single genetic etiology.

NM_001376232.1(ZP2):c.2092C>T (p.Arg698Ter)

Gene: ZP2 (zona pellucida glycoprotein 2; minus strand). Cytogenetic location: 16p12.3.
Variant type: single nucleotide variant.
Coding change: c.2092C>T on transcript NM_001376232.1 (MANE Select); coding-DNA position 2092, C replaced by T.
Protein change: p.Arg698Ter; replaces arginine 698 with a stop codon.
Molecular consequence: nonsense. On other transcripts: non-coding transcript variant (1).
Genome position (GRCh38, 1-based): chr16:21,197,769, G>A on the plus strand (C>T on the coding strand, the complement: ZP2 is on the minus strand). VCF-style: chr16-21197769-G-A. GRCh37 (hg19) VCF-style: chr16-21209090-G-A.
Other names: c.2065C>T, p.Arg689Ter (NM_001376231.1); c.2125C>T, p.Arg709Ter (NM_001376233.1); c.2092C>T, p.Arg698Ter (NM_003460.2); short protein forms R689*, R698*, R709*.
Identifiers: ClinVar variation 3381907 (VCV003381907.2).
Genomic context (GRCh38, chr16:21,197,769, plus strand): 5'-TAAAACTAAGCCTTCAACAGGCTTATTTCAGAAGTTTGCAACATTGAATAAACTTACCTC[G>A]TGAGCCAACCTCCTCCCCTGTTTCACTCCTACTCTTCTCCCCACTGCTCCCACTTGCTTT-3'